The following is an entry in ClinVar:

NM_007294.4(BRCA1):c.4916T>A (p.Leu1639Ter)

Gene: BRCA1 (BRCA1 DNA repair associated; minus strand). Cytogenetic location: 17q21.31.
Variant type: single nucleotide variant.
Coding change: c.4916T>A on transcript NM_007294.4 (MANE Select); coding-DNA position 4916, T replaced by A.
Protein change: p.Leu1639Ter; replaces leucine 1639 with a stop codon.
Molecular consequence: nonsense. On other transcripts: non-coding transcript variant (1).
Genome position (GRCh38, 1-based): chr17:43,070,998, A>T on the plus strand (T>A on the coding strand, the complement: BRCA1 is on the minus strand). VCF-style: chr17-43070998-A-T. GRCh37 (hg19) VCF-style: chr17-41223015-A-T.
Other names: c.1223T>A, p.Leu408Ter (NM_001408511.1); c.1103T>A, p.Leu368Ter (NM_001408512.1); c.1076T>A, p.Leu359Ter (NM_001408513.1); c.4775T>A, p.Leu1592Ter (NM_007297.4, NM_001407697.1, NM_001407698.1 and 13 more transcripts); c.1604T>A, p.Leu535Ter (NM_007298.4, NM_007299.4, NM_007304.2 and 13 more transcripts); c.4979T>A, p.Leu1660Ter (NM_007300.4, NM_001407583.1, NM_001407585.1 and 1 more transcripts); c.4703T>A, p.Leu1568Ter (NM_001407571.1, NM_001407894.1, NM_001407895.1 and 12 more transcripts); c.4982T>A, p.Leu1661Ter (NM_001407581.1, NM_001407582.1); and 70 more; short protein forms L1639*, L535*, L1592*, L1660*, L1342*, L1550*, L1567*, L1595*.
Identifiers: ClinVar variation 868848 (VCV000868848.3), dbSNP rs1567774676, ClinGen allele CA10591691.

Conditions:
Breast-ovarian cancer, familial, susceptibility to, 1 (BROVCA1). Also called: BRCA1 Hereditary Breast and Ovarian Cancer; OVARIAN CANCER, SUSCEPTIBILITY TO. Identifiers: Orphanet 145, MedGen C2676676, MONDO:0011450, OMIM 604370. Disease mechanism: loss of function.

Submission:

Brotman Baty Institute, University of Washington
No classification provided (evidence only). Condition: Breast-ovarian cancer, familial 1. Review status: no classification provided. Collection method: in vitro. Allele origin: not applicable. Functional consequence: functionally_abnormal.
ClinVar note: "not provided" was previously submitted as the classification for the variant. However, the classification appeared to be based only on an observation of functional data so it was converted to no classification on 2025-07-30.